The following is an entry in ClinVar:

NM_001015877.2(PHF6):c.1075C>T (p.Gln359Ter)

Gene: PHF6 (PHD finger protein 6; plus strand). Cytogenetic location: Xq26.2.
Variant type: single nucleotide variant.
Coding change: c.1075C>T on transcript NM_001015877.2 (MANE Select); coding-DNA position 1075, C replaced by T.
Protein change: p.Gln359Ter; replaces glutamine 359 with a stop codon.
Molecular consequence: nonsense.
Genome position (GRCh38, 1-based): chrX:134,425,307, C>T. VCF-style: chrX-134425307-C-T. GRCh37 (hg19) VCF-style: chrX-133559337-C-T.
Other names: c.1075C>T, p.Gln359Ter (NM_032458.3); short protein forms Q359*.
Identifiers: ClinVar variation 5019631 (VCV005019631.2).

ClinVar aggregate classification (germline): Uncertain significance (1 of 4 stars; one submission).

Conditions:
Borjeson-Forssman-Lehmann syndrome (BFLS). Also called: BORJESON SYNDROME; MENTAL RETARDATION, X-LINKED, SYNDROMIC, BORJESON-FORSSMAN-LEHMANN TYPE; MENTAL RETARDATION, EPILEPSY, AND ENDOCRINE DISORDERS. Identifiers: Orphanet 127, MedGen C0265339, MONDO:0010537, OMIM 301900.

Submission:

Juno Genomics, Hangzhou Juno Genomics, Inc
Classification: Uncertain significance for Borjeson-Forssman-Lehmann syndrome. Review status: criteria provided, single submitter. Criteria: ACMG Guidelines, 2015. Collection method: clinical testing. Allele origin: germline.
Comment: Absent from controls (or at extremely low frequency if recessive) in Genome Aggregation Database.;Null variant in a gene where loss of function (LOF) is a known mechanism of disease.